The following is an entry in ClinVar:

ClinVar aggregate classification (germline): Pathogenic (1 of 4 stars; one submission).

Conditions:
Intellectual developmental disorder with behavioral abnormalities and craniofacial dysmorphism with or without seizures. Identifiers: MedGen C5231476, MONDO:0032883, OMIM 618725.

Submission:

Intergen Genetics and Rare Diseases Diagnosis Center
Classification: Pathogenic for Intellectual developmental disorder with behavioral abnormalities and craniofacial dysmorphism with or without seizures. Last evaluated: 2025-03-18. Review status: criteria provided, single submitter. Criteria: ACMG Guidelines, 2015. Collection method: clinical testing. Allele origin: de novo. Inheritance: Autosomal dominant inheritance. Affected: yes. Observed: 1 heterozygote.

NM_001352027.3(PHF21A):c.286C>T (p.Gln96Ter)

Gene: PHF21A (PHD finger protein 21A; minus strand). Cytogenetic location: 11p11.2.
Variant type: single nucleotide variant.
Coding change: c.286C>T on transcript NM_001352027.3 (MANE Select); coding-DNA position 286, C replaced by T.
Protein change: p.Gln96Ter; replaces glutamine 96 with a stop codon.
Molecular consequence: nonsense. On other transcripts: non-coding transcript variant (2).
Genome position (GRCh38, 1-based): chr11:45,979,834, G>A on the plus strand (C>T on the coding strand, the complement: PHF21A is on the minus strand). VCF-style: chr11-45979834-G-A. GRCh37 (hg19) VCF-style: chr11-46001385-G-A.
Other names: c.286C>T, p.Gln96Ter (NM_001352025.3, NM_001352026.3, NM_001352028.1 and 6 more transcripts); short protein forms Q96*.
Identifiers: ClinVar variation 3775076 (VCV003775076.1).